The following is an entry in ClinVar:

ClinVar aggregate classification (germline): Uncertain significance (1 of 4 stars; one submission).

Submission:

Labcorp Genetics (formerly Invitae), Labcorp
Classification: Uncertain significance. Last evaluated: 2022-08-23. Review status: criteria provided, single submitter. Criteria: Invitae Variant Classification Sherloc (09022015). Collection method: clinical testing. Allele origin: germline.
Comment: This variant results in a copy number gain of the genomic region encompassing exon(s) 1 of the RIN2 gene. This region includes the initiator codon of the gene. This copy number gain extends beyond the assayed region for this gene and therefore may encompass additional genes. As the precise location of this event is unknown, it may be in tandem or it may be located elsewhere in the genome. This variant has not been reported in the literature in individuals affected with RIN2-related conditions. Experimental studies and prediction algorithms are not available or were not evaluated, and the functional significance of this variant is currently unknown. In summary, the available evidence is currently insufficient to determine the role of this variant in disease. Therefore, it has been classified as a Variant of Uncertain Significance.

NC_000020.10:g.(?_19867314)_(19870322_?)dup

Gene: RIN2 (Ras and Rab interactor 2; plus strand). Cytogenetic location: 20p11.23.
Variant type: Duplication.
Identifiers: ClinVar variation 1444784 (VCV001444784.4).